The following is an entry in ClinVar:

NM_032888.4(COL27A1):c.2953G>A (p.Gly985Ser)

Gene: COL27A1 (collagen type XXVII alpha 1 chain; plus strand). Cytogenetic location: 9q32.
Variant type: single nucleotide variant.
Coding change: c.2953G>A on transcript NM_032888.4 (MANE Select); coding-DNA position 2953, G replaced by A.
Protein change: p.Gly985Ser; replaces glycine 985 with serine.
Molecular consequence: missense variant.
Genome position (GRCh38, 1-based): chr9:114,245,884, G>A. VCF-style: chr9-114245884-G-A. GRCh37 (hg19) VCF-style: chr9-117008164-G-A.
Other names: short protein forms G985S.
Identifiers: ClinVar variation 3897970 (VCV003897970.1).

ClinVar aggregate classification (germline): Uncertain significance (1 of 4 stars; one submission).

Conditions:
Steel syndrome (STLS). Identifiers: Orphanet 438117, MedGen C3554594, MONDO:0014061, OMIM 615155.

gnomAD v4.1: 2 of 1,613,076 alleles (0.00012%); highest among the groups gnomAD compares: South Asian, 0.0011%; no homozygotes.

Submission:

Neuberg Centre For Genomic Medicine, NCGM
Classification: Uncertain significance for Steel syndrome. Last evaluated: 2024-02-01. Review status: criteria provided, single submitter. Criteria: ACMG Guidelines, 2015. Collection method: clinical testing. Allele origin: germline. Inheritance: Autosomal recessive inheritance.
Comment: The above variant has not been reported previously as a pathogenic variant nor as a benign variant, to our knowledge. For these reasons, this variant has been classified as Variant of Uncertain Significance (VUS). In absence of another reportable variant in COL27A1 gene, the molecular diagnosis is not confirmed